The following is an entry in ClinVar:

ClinVar aggregate classification (germline): Benign. Review status: criteria provided, multiple submitters, no conflicts (2 of 4 stars). 2 submissions from 2 submitters: Benign (2). Last evaluated 2018-01-13.

Conditions:
Hereditary spastic paraplegia 30. Identifiers: Orphanet 101010, MedGen C5235139, MONDO:0012476.

Allele frequency attached by ClinVar (database versions not stated): 1000 Genomes Project 30x 0.02217; 1000 Genomes Project 0.02256; TOPMed 0.03871; gnomAD 0.04470 and 0.04560; gnomAD exomes 0.07407.
gnomAD v4.1: 6,799 of 152,260 alleles (4.5%); highest among the groups gnomAD compares: Middle Eastern, 7.1%; 225 homozygotes.

Submissions (2):

Illumina Laboratory Services, Illumina
Classification: Benign for Spastic paraplegia 30A, autosomal dominant. Last evaluated: 2018-01-13. Review status: criteria provided, single submitter. Criteria: ICSL Variant Classification Criteria 13 December 2019. Collection method: clinical testing. Allele origin: germline.
Comment: This variant was observed in the ICSL laboratory as part of a predisposition screen in an ostensibly healthy population. It had not been previously curated by ICSL or reported in the Human Gene Mutation Database (HGMD: prior to June 1st, 2018), and was therefore a candidate for classification through an automated scoring system. Utilizing variant allele frequency, disease prevalence and penetrance estimates, and inheritance mode, an automated score was calculated to assess if this variant is too frequent to cause the disease. Based on the score and internal cut-off values, a variant classified as benign is not then subjected to further curation. The score for this variant resulted in a classification of benign for this disease.

Breakthrough Genomics
Classification: Benign. Review status: criteria provided, single submitter. Criteria: ACMG Guidelines, 2015. Collection method: not provided. Allele origin: germline. Inheritance: Autosomal recessive inheritance. Affected: yes.

NM_001244008.2(KIF1A):c.*3038T>A

Gene: KIF1A (kinesin family member 1A; minus strand). Cytogenetic location: 2q37.3.
Variant type: single nucleotide variant.
Coding change: c.*3038T>A on transcript NM_001244008.2 (MANE Select); 3038 bases downstream of the stop codon, T replaced by A.
Molecular consequence: 3 prime UTR variant.
Genome position (GRCh38, 1-based): chr2:240,714,326, A>T on the plus strand (T>A on the coding strand, the complement: KIF1A is on the minus strand). VCF-style: chr2-240714326-A-T. GRCh37 (hg19) VCF-style: chr2-241653743-A-T.
Other names: c.*3038T>A (NM_001320705.2, NM_001330289.2, NM_001330290.2 and 20 more transcripts).
Identifiers: ClinVar variation 335215 (VCV000335215.6), dbSNP rs116352370, ClinGen allele CA10614969.